The following is an entry in ClinVar:

ClinVar aggregate classification (germline): Benign. Review status: criteria provided, multiple submitters, no conflicts (2 of 4 stars). 3 submissions from 3 submitters: Benign (3). Last evaluated 2026-02-01.

Conditions:
Glycogen storage disease due to muscle and heart glycogen synthase deficiency. Also called: GSD 0b; MUSCLE GLYCOGEN SYNTHASE DEFICIENCY. Identifiers: Orphanet 137625, MedGen C1969054, MONDO:0012693, OMIM 611556.

Allele frequency attached by ClinVar (database versions not stated): gnomAD 0.00004 and 0.00101; ESP Exome Variant Server 0.00008; TOPMed 0.00020; gnomAD exomes 0.00199 and 0.00389; 1000 Genomes Project 0.00499; ExAC 0.00575; 1000 Genomes Project 30x 0.00593.

Submissions (3):

Labcorp Genetics (formerly Invitae), Labcorp
Classification: Benign for Glycogen storage disease due to muscle and heart glycogen synthase deficiency. Last evaluated: 2026-02-01. Review status: criteria provided, single submitter. Criteria: Invitae Variant Classification Sherloc (09022015). Collection method: clinical testing. Allele origin: germline.

GeneDx
Classification: Benign. Last evaluated: 2018-11-09. Review status: criteria provided, single submitter. Criteria: GeneDx Variant Classification Process June 2021. Collection method: clinical testing. Allele origin: germline. Affected: yes.

Illumina Laboratory Services, Illumina
Classification: Benign for Glycogen storage disease due to muscle and heart glycogen synthase deficiency. Last evaluated: 2018-01-13. Review status: criteria provided, single submitter. Criteria: ICSL Variant Classification Criteria 13 December 2019. Collection method: clinical testing. Allele origin: germline.
Comment: This variant was observed in the ICSL laboratory as part of a predisposition screen in an ostensibly healthy population. It had not been previously curated by ICSL or reported in the Human Gene Mutation Database (HGMD: prior to June 1st, 2018), and was therefore a candidate for classification through an automated scoring system. Utilizing variant allele frequency, disease prevalence and penetrance estimates, and inheritance mode, an automated score was calculated to assess if this variant is too frequent to cause the disease. Based on the score and internal cut-off values, a variant classified as benign is not then subjected to further curation. The score for this variant resulted in a classification of benign for this disease.

NM_002103.5(GYS1):c.354C>T (p.Asp118=)

Gene: GYS1 (glycogen synthase 1; minus strand). Cytogenetic location: 19q13.33.
Variant type: single nucleotide variant.
Coding change: c.354C>T on transcript NM_002103.5 (MANE Select); coding-DNA position 354, C replaced by T.
Protein change: p.Asp118=; no amino-acid change (aspartic acid 118 retained).
Molecular consequence: synonymous variant. On other transcripts: non-coding transcript variant (1), intron variant (1).
Genome position (GRCh38, 1-based): chr19:48,987,332, G>A on the plus strand (C>T on the coding strand, the complement: GYS1 is on the minus strand). VCF-style: chr19-48987332-G-A. GRCh37 (hg19) VCF-style: chr19-49490589-G-A.
Other names: c.301-1297C>T (NM_001161587.2).
Identifiers: ClinVar variation 329826 (VCV000329826.16), dbSNP rs374959862, ClinGen allele CA9563369.